The following is an entry in ClinVar:

ClinVar aggregate classification (germline): Uncertain significance (1 of 4 stars; one submission).

Submission:

Labcorp Genetics (formerly Invitae), Labcorp
Classification: Uncertain significance. Last evaluated: 2024-03-19. Review status: criteria provided, single submitter. Criteria: Invitae Variant Classification Sherloc (09022015). Collection method: clinical testing. Allele origin: germline.
Comment: This sequence change replaces leucine, which is neutral and non-polar, with phenylalanine, which is neutral and non-polar, at codon 675 of the BUB1 protein (p.Leu675Phe). This variant is not present in population databases (gnomAD no frequency). This variant has not been reported in the literature in individuals affected with BUB1-related conditions. Experimental studies and prediction algorithms are not available or were not evaluated, and the functional significance of this variant is currently unknown. In summary, the available evidence is currently insufficient to determine the role of this variant in disease. Therefore, it has been classified as a Variant of Uncertain Significance.

NM_004336.5(BUB1):c.2025A>T (p.Leu675Phe)

Gene: BUB1 (BUB1 mitotic checkpoint serine/threonine kinase; minus strand). Cytogenetic location: 2q13.
Variant type: single nucleotide variant.
Coding change: c.2025A>T on transcript NM_004336.5 (MANE Select); coding-DNA position 2025, A replaced by T.
Protein change: p.Leu675Phe; replaces leucine 675 with phenylalanine.
Molecular consequence: missense variant.
Genome position (GRCh38, 1-based): chr2:110,650,724, T>A on the plus strand (A>T on the coding strand, the complement: BUB1 is on the minus strand). VCF-style: chr2-110650724-T-A. GRCh37 (hg19) VCF-style: chr2-111408301-T-A.
Other names: c.1965A>T, p.Leu655Phe (NM_001278616.2); c.2025A>T, p.Leu675Phe (NM_001278617.2); short protein forms L675F, L655F.
Identifiers: ClinVar variation 3646705 (VCV003646705.2).
Genomic context (GRCh38, chr2:110,650,724, plus strand): 5'-AACGCCCAACTCTGCCTCACAGGTAAGTACCCCACCTGCAGCAGGCTGGCTCAGACGAAG[T>A]AAGGATGCTGAATACATGTGAGACGACAAGGCCTGTTTTGGGCTTTTCTCTTGAATTGGA-3'
Protein context (NP_004327.1, residues 665-685): ALSSHMYSAS[Leu675Phe]LRLSQPAAGG